The following is an entry in ClinVar:

NM_000051.4(ATM):c.9005del (p.Phe3002fs)

Genes: ATM (ATM serine/threonine kinase; plus strand), C11orf65 (chromosome 11 open reading frame 65; minus strand). Cytogenetic location: 11q22.3.
Variant type: Deletion.
Coding change: c.9005del on transcript NM_000051.4 (MANE Select); coding-DNA position 9005, one base deleted (T; older notation c.9005delT).
Protein change: p.Phe3002fs; shifts the reading frame from phenylalanine 3002.
Molecular consequence: frameshift variant. On other transcripts: intron variant (2).
Genome position (GRCh38, 1-based): chr11:108,365,342, T deleted; the last of 3 consecutive T bases (chr11:108,365,340-108,365,342); deleting any one gives the same sequence. VCF-style (leftmost placement, unchanged base first): chr11-108365339-GT-G. GRCh37 (hg19) VCF-style: chr11-108236066-GT-G.
Other names: c.9005delT, p.Phe3002Serfs (NM_000051.3); c.9005del, p.Phe3002fs (NM_001351834.2); c.640+20580del (NM_001330368.2); c.694+20580del (NM_001351110.2); short protein forms F3002fs.
Identifiers: ClinVar variation 231573 (VCV000231573.7), dbSNP rs876659235, ClinGen allele CA10579332.
Genomic context (GRCh38, chr11:108,365,339, plus strand): 5'-CTTTAAACTGTTCACCTCACTGAAACCTTTGTGTTTTTGTCCTTAGTGATATTGACCAGA[GT>G]TTCAACAAAGTAGCTGAACGTGTCTTAATGAGACTACAAGAGAAACTGAAAGGAGTGGAA-3'

ClinVar aggregate classification (germline): Pathogenic/Likely pathogenic. Review status: criteria provided, multiple submitters, no conflicts (2 of 4 stars). 3 submissions from 3 submitters: Pathogenic (2); Likely pathogenic (1). Last evaluated 2026-01-22.

Conditions:
Hereditary cancer-predisposing syndrome. Also called: Neoplastic Syndromes, Hereditary; Hereditary neoplastic syndrome; Tumor predisposition; Hereditary Cancer Syndrome. Identifiers: Orphanet 140162, MedGen C0027672, MeSH D009386, MONDO:0015356.
Familial cancer of breast. Also called: hereditary breast carcinoma; Hereditary breast cancer; BREAST CANCER, FAMILIAL. Identifiers: Orphanet 227535, MedGen C0346153, MONDO:0016419, OMIM 114480. Disease mechanism: loss of function.
Ataxia-telangiectasia syndrome (AT). Also called: Ataxia telangiectasia (A-T); Cerebello-oculocutaneous telangiectasia; Immunodeficiency with ataxia telangiectasia; LOUIS-BAR SYNDROME; AT, COMPLEMENTATION GROUP C; ATAXIA-TELANGIECTASIA, FRESNO VARIANT. Identifiers: Orphanet 100, MedGen C0004135, MONDO:0008840, OMIM 208900.

Submissions (3):

Natera, Inc.
Classification: Likely pathogenic for Ataxia-telangiectasia. Last evaluated: 2026-01-22. Review status: criteria provided, single submitter. Criteria: Natera Variant Classification Schema (03/2026). Collection method: clinical testing. Allele origin: germline.
Comment: The c.9005del variant in ATM is a frameshift variant predicted to shift the reading frame beginning at codon 3002 and leads to a stop codon 4 codons downstream. This variant is expected to result in nonsense mediated decay, truncation, or a dysfunctional protein product. This variant is rare in the general population with a frequency below the threshold expected for the associated phenotype(s). Given the available evidence, this variant is classified as Likely Pathogenic.

Myriad Genetics, Inc.
Classification: Pathogenic for Familial cancer of breast. Last evaluated: 2024-02-06. Review status: criteria provided, single submitter. Criteria: Myriad Autosomal Dominant, Autosomal Recessive and X-Linked Classification Criteria (2023). Collection method: clinical testing. Allele origin: unknown.
Comment: This variant is considered pathogenic. This variant creates a frameshift predicted to result in premature protein truncation.

Ambry Genetics
Classification: Pathogenic for Hereditary cancer-predisposing syndrome. Last evaluated: 2021-04-13. Review status: criteria provided, single submitter. Criteria: Ambry Variant Classification Scheme 2023. Collection method: clinical testing. Allele origin: germline.
Comment: The c.9005delT pathogenic mutation, located in coding exon 62 of the ATM gene, results from a deletion of one nucleotide at nucleotide position 9005, causing a translational frameshift with a predicted alternate stop codon (p.F3002Sfs*4). This alteration occurs at the 3' terminus of the ATM gene, is not expected to trigger nonsense-mediated mRNA decay, and only impacts the last 55 amino acids of the protein. However, premature stop codons are typically deleterious in nature and the impacted region is critical for protein function (Ambry internal data). As such, this alteration is interpreted as a disease-causing mutation.